The following is an entry in ClinVar:

ClinVar aggregate classification (germline): Pathogenic/Likely pathogenic. Review status: criteria provided, multiple submitters, no conflicts (2 of 4 stars). 4 submissions from 4 submitters: Pathogenic (1); Likely pathogenic (3). Last evaluated 2025-04-19.

Conditions:
Retinitis pigmentosa (RP). Identifiers: Orphanet 791, MedGen C0035334, MeSH D012174, MONDO:0019200, OMIM 268000. Inheritance: Autosomal dominant, autosomal recessive and X linked inheritance.
Retinitis pigmentosa 62 (RP62). Identifiers: Orphanet 791, MedGen C3280042, MONDO:0013611, OMIM 614181.
MAK-related disorders.

Submissions (4):

Labcorp Genetics (formerly Invitae), Labcorp
Classification: Pathogenic. Last evaluated: 2025-04-19. Review status: criteria provided, single submitter. Criteria: Invitae Variant Classification Sherloc (09022015). Collection method: clinical testing. Allele origin: germline.
Comment: This sequence change creates a premature translational stop signal (p.Gln364Glyfs*18) in the MAK gene. It is expected to result in an absent or disrupted protein product. Loss-of-function variants in MAK are known to be pathogenic (PMID: 21148103, 21825139, 24938718, 29781741). This variant is present in population databases (no rsID available, gnomAD 0.0009%). This variant has not been reported in the literature in individuals affected with MAK-related conditions. ClinVar contains an entry for this variant (Variation ID: 951172). For these reasons, this variant has been classified as Pathogenic.

Fulgent Genetics
Classification: Likely pathogenic for Retinitis pigmentosa 62. Last evaluated: 2024-05-06. Review status: criteria provided, single submitter. Criteria: ACMG Guidelines, 2015. Collection method: clinical testing. Allele origin: germline.

Women's Health and Genetics/Laboratory Corporation of America, LabCorp
Classification: Likely pathogenic for Retinitis pigmentosa. Last evaluated: 2023-02-21. Review status: criteria provided, single submitter. Criteria: LabCorp Variant Classification Summary - May 2015. Collection method: clinical testing. Allele origin: germline.
Comment: Variant summary: MAK c.1087_1088delAG (p.Gln364GlyfsX18) results in a premature termination codon, predicted to cause a truncation of the encoded protein or absence of the protein due to nonsense mediated decay, which are commonly known mechanisms for disease. Truncations downstream of the variant have been reported as pathogenic/likely pathogenic in Clinvar and reported in HGMD in association with Retinitis pigmentosa. The variant allele was found at a frequency of 8e-06 in 251294 control chromosomes. To our knowledge, no occurrence of c.1087_1088delAG in individuals affected with Retinitis Pigmentosa and no experimental evidence demonstrating its impact on protein function have been reported. One clinical diagnostic laboratory has submitted clinical-significance assessments for this variant to ClinVar after 2014 without evidence for independent evaluation. One laboratory classified the variant as pathogenic. Based on the evidence outlined above, the variant was classified as likely pathogenic.

Blueprint Genetics
Classification: Likely pathogenic for MAK-related disorders. Last evaluated: 2022-02-04. Review status: criteria provided, single submitter. Criteria: ACMG Guidelines, 2015. Collection method: clinical testing. Allele origin: germline. Affected: yes. Observed: 2 variant alleles.

Literature cited by the submitters: PubMed 21148103 (cited by Labcorp Genetics (formerly Invitae), Labcorp); PubMed 21825139 (cited by Labcorp Genetics (formerly Invitae), Labcorp); PubMed 24938718 (cited by Labcorp Genetics (formerly Invitae), Labcorp); PubMed 29781741 (cited by Labcorp Genetics (formerly Invitae), Labcorp); PubMed 31980526 (cited by Women's Health and Genetics/Laboratory Corporation of America, LabCorp).

NM_001242957.3(MAK):c.1087_1088del (p.Gln364fs)

Gene: MAK (male germ cell associated kinase; minus strand). Cytogenetic location: 6p24.2.
Variant type: Microsatellite.
Coding change: c.1087_1088del on transcript NM_001242957.3 (MANE Select); coding-DNA positions 1087 to 1088, 2 bases deleted (AG; older notation c.1087_1088delAG).
Protein change: p.Gln364fs; shifts the reading frame from glutamine 364.
Molecular consequence: frameshift variant. On other transcripts: non-coding transcript variant (2).
Genome position (GRCh38, 1-based): chr6:10,796,053-10,796,054, CT deleted on the plus strand (AG on the coding strand, the reverse complement: MAK is on the minus strand); deleting any 2 consecutive bases within chr6:10,796,053-10,796,056 gives the same sequence; the c. name uses the placement nearest the transcript's 3' end. VCF-style (leftmost placement, unchanged base first): chr6-10796052-ACT-A. GRCh37 (hg19) VCF-style: chr6-10796285-ACT-A.
Other names: c.1087_1088del, p.Gln364fs (NM_001242385.2, NM_005906.6); c.985_986del, p.Gln330fs (NM_001377262.1); c.1087_1088delAG (NM_001242957.2); short protein forms Q330fs, Q364fs.
Identifiers: ClinVar variation 951172 (VCV000951172.10), dbSNP rs1196153507, ClinGen allele CA565827421.